The following is an entry in ClinVar:

ClinVar aggregate classification (germline): Uncertain significance (1 of 4 stars; one submission).

Allele frequency attached by ClinVar (database versions not stated): gnomAD exomes below 0.00001; TOPMed below 0.00001; gnomAD 0.00003; 1000 Genomes Project 0.00020; 1000 Genomes Project 30x 0.00031.
gnomAD v4.1: 10 of 1,614,112 alleles (0.00062%); highest among the groups gnomAD compares: East Asian, 0.0067%; no homozygotes.

Submission:

Labcorp Genetics (formerly Invitae), Labcorp
Classification: Uncertain significance. Last evaluated: 2022-03-12. Review status: criteria provided, single submitter. Criteria: Invitae Variant Classification Sherloc (09022015). Collection method: clinical testing. Allele origin: germline.
Comment: In summary, the available evidence is currently insufficient to determine the role of this variant in disease. Therefore, it has been classified as a Variant of Uncertain Significance. Advanced modeling of protein sequence and biophysical properties (such as structural, functional, and spatial information, amino acid conservation, physicochemical variation, residue mobility, and thermodynamic stability) performed at Invitae indicates that this missense variant is not expected to disrupt ABCA1 protein function. This variant has not been reported in the literature in individuals affected with ABCA1-related conditions. This variant is present in population databases (rs551313050, gnomAD 0.006%). This sequence change replaces alanine, which is neutral and non-polar, with valine, which is neutral and non-polar, at codon 465 of the ABCA1 protein (p.Ala465Val).

NM_005502.4(ABCA1):c.1394C>T (p.Ala465Val)

Gene: ABCA1 (ATP binding cassette subfamily A member 1; minus strand). Cytogenetic location: 9q31.1.
Variant type: single nucleotide variant.
Coding change: c.1394C>T on transcript NM_005502.4 (MANE Select); coding-DNA position 1394, C replaced by T.
Protein change: p.Ala465Val; replaces alanine 465 with valine.
Molecular consequence: missense variant.
Genome position (GRCh38, 1-based): chr9:104,832,689, G>A on the plus strand (C>T on the coding strand, the complement: ABCA1 is on the minus strand). VCF-style: chr9-104832689-G-A. GRCh37 (hg19) VCF-style: chr9-107594970-G-A.
Other names: short protein forms A465V.
Identifiers: ClinVar variation 1896449 (VCV001896449.4), dbSNP rs551313050, ClinGen allele CA197397646.
Genomic context (GRCh38, chr9:104,832,689, plus strand): 5'-CTCCAGGTGTACACAGAACCATTACTGGACTGGACATCCTCTGGGTGCTTGGCCAAAAAC[G>A]CCACGATGTCTTGGGCTGTCCAATCTAAGCCATCCAACTGCTGTTCCCAAAAGTGGTCAT-3'
Protein context (NP_005493.2, residues 455-475): GLDWTAQDIV[Ala465Val]FLAKHPEDVQ